The following is an entry in ClinVar:

ClinVar aggregate classification (germline): Uncertain significance (1 of 4 stars; one submission).

Conditions:
Bethlem myopathy 1A. Also called: Bethlem myopathy 1; Bethlem Muscular Dystrophy; MYOPATHY, BENIGN CONGENITAL, WITH CONTRACTURES. Identifiers: Orphanet 610, MedGen CN029274, MONDO:0024530, OMIM 158810.

Allele frequency attached by ClinVar (database versions not stated): gnomAD exomes below 0.00001; gnomAD 0.00001 and 0.00002; TOPMed 0.00002.
gnomAD v4.1: 3 of 1,613,964 alleles (0.00019%); highest among the groups gnomAD compares: African/African-American, 0.0027%; no homozygotes.

Submission:

Labcorp Genetics (formerly Invitae), Labcorp
Classification: Uncertain significance for Bethlem myopathy 1A. Last evaluated: 2024-04-30. Review status: criteria provided, single submitter. Criteria: Invitae Variant Classification Sherloc (09022015). Collection method: clinical testing. Allele origin: germline.
Comment: This sequence change replaces arginine, which is basic and polar, with lysine, which is basic and polar, at codon 1608 of the COL6A3 protein (p.Arg1608Lys). This variant is present in population databases (no rsID available, gnomAD 0.0009%). This variant has not been reported in the literature in individuals affected with COL6A3-related conditions. ClinVar contains an entry for this variant (Variation ID: 1405028). Advanced modeling of protein sequence and biophysical properties (such as structural, functional, and spatial information, amino acid conservation, physicochemical variation, residue mobility, and thermodynamic stability) performed at Invitae indicates that this missense variant is not expected to disrupt COL6A3 protein function with a negative predictive value of 80%. In summary, the available evidence is currently insufficient to determine the role of this variant in disease. Therefore, it has been classified as a Variant of Uncertain Significance.

NM_004369.4(COL6A3):c.4823G>A (p.Arg1608Lys)

Gene: COL6A3 (collagen type VI alpha 3 chain; minus strand). Cytogenetic location: 2q37.3.
Variant type: single nucleotide variant.
Coding change: c.4823G>A on transcript NM_004369.4 (MANE Select); coding-DNA position 4823, G replaced by A.
Protein change: p.Arg1608Lys; replaces arginine 1608 with lysine.
Molecular consequence: missense variant.
Genome position (GRCh38, 1-based): chr2:237,368,640, C>T on the plus strand (G>A on the coding strand, the complement: COL6A3 is on the minus strand). VCF-style: chr2-237368640-C-T. GRCh37 (hg19) VCF-style: chr2-238277283-C-T.
Other names: c.3002G>A, p.Arg1001Lys (NM_057166.5); c.4205G>A, p.Arg1402Lys (NM_057167.4); short protein forms R1001K, R1608K, R1402K.
Identifiers: ClinVar variation 1405028 (VCV001405028.8), dbSNP rs931661932, ClinGen allele CA67816145.
Genomic context (GRCh38, chr2:237,368,640, plus strand): 5'-GGGGTGTCCACCCCTGGAGGTGCAGGAGTGGCTGCGGAGGGTCCAAACGAGTTCATGATT[C>T]TTTCTTCTATGTTGGGAAGCTCTCTGAACTCTCGCACTGTGAAGACCAGTCTGGGGTCAT-3'
Protein context (NP_004360.2, residues 1598-1618): EFRELPNIEE[Arg1608Lys]IMNSFGPSAA